The following is an entry in ClinVar:

ClinVar aggregate classification (germline): Likely pathogenic (1 of 4 stars; one submission).

Conditions:
ZTTK syndrome (ZTTKS). Also called: Zhu-Tokita-Takenouchi-Kim Syndrome; ZTTK MULTIPLE CONGENITAL ANOMALIES-MENTAL RETARDATION SYNDROME. Identifiers: Orphanet 500150, MedGen C4310696, MONDO:0014936, OMIM 617140.

Submission:

Laboratorio de Genetica e Diagnostico Molecular, Hospital Israelita Albert Einstein
Classification: Likely pathogenic for ZTTK syndrome. Last evaluated: 2022-07-27. Review status: criteria provided, single submitter. Criteria: ACMG Guidelines, 2015. Collection method: clinical testing. Allele origin: germline. Affected: yes. Observed: 1 variant allele.
Comment: ACMG classification criteria: PVS1 very strong, PM2 moderated

NM_138927.4(SON):c.202_203del (p.Val68fs)

Gene: SON (SON DNA and RNA binding protein; plus strand). Cytogenetic location: 21q22.11.
Variant type: Deletion.
Coding change: c.202_203del on transcript NM_138927.4 (MANE Select); coding-DNA positions 202 to 203, 2 bases deleted (GT; older notation c.202_203delGT).
Protein change: p.Val68fs; shifts the reading frame from valine 68.
Molecular consequence: frameshift variant. On other transcripts: non-coding transcript variant (1).
Genome position (GRCh38, 1-based): chr21:33,546,337-33,546,338, GT deleted. VCF-style (leftmost placement, unchanged base first): chr21-33546336-AGT-A. GRCh37 (hg19) VCF-style: chr21-34918642-AGT-A.
Other names: c.202_203del, p.Val68fs (NM_001291411.2, NM_001291412.3, NM_032195.3); c.202_203delGT, p.Val68Thrfs (NM_001412132.1, NM_001412133.1, NM_058183.2 and 1 more transcripts); short protein forms V68fs.
Identifiers: ClinVar variation 2431516 (VCV002431516.1), dbSNP rs2517327023, ClinGen allele CA2580098602.